The following is an entry in ClinVar:

ClinVar aggregate classification (germline): Uncertain significance. Review status: criteria provided, multiple submitters, no conflicts (2 of 4 stars). 2 submissions from 2 submitters: Uncertain significance (2). Last evaluated 2024-07-21.

Conditions:
Cardiovascular phenotype. Identifiers: MedGen CN230736.
Long QT syndrome (LQTS). Identifiers: MedGen C0023976, MeSH D008133, MONDO:0002442. Disease mechanism: loss of function. Inheritance: Various modes of inheritance.

Allele frequency attached by ClinVar (database versions not stated): ExAC 0.00001; gnomAD 0.00001; TOPMed 0.00003.
gnomAD v4.1: 31 of 1,613,716 alleles (0.0019%); highest among the groups gnomAD compares: Non-Finnish European, 0.0026%; no homozygotes.

Submissions (2):

Ambry Genetics
Classification: Uncertain significance for Cardiovascular phenotype. Last evaluated: 2024-07-21. Review status: criteria provided, single submitter. Criteria: Ambry Variant Classification Scheme 2023. Collection method: clinical testing. Allele origin: germline.
Comment: The p.D486V variant (also known as c.1457A>T), located in coding exon 8 of the AKAP9 gene, results from an A to T substitution at nucleotide position 1457. The aspartic acid at codon 486 is replaced by valine, an amino acid with highly dissimilar properties. This amino acid position is not well conserved in available vertebrate species, and valine is the reference amino acid in other vertebrate species. In addition, this alteration is predicted to be tolerated by in silico analysis. Since supporting evidence is limited at this time, the clinical significance of this alteration remains unclear.

Labcorp Genetics (formerly Invitae), Labcorp
Classification: Uncertain significance for Long QT syndrome. Last evaluated: 2022-11-22. Review status: criteria provided, single submitter. Criteria: Invitae Variant Classification Sherloc (09022015). Collection method: clinical testing. Allele origin: germline.
Comment: In summary, the available evidence is currently insufficient to determine the role of this variant in disease. Therefore, it has been classified as a Variant of Uncertain Significance. Algorithms developed to predict the effect of missense changes on protein structure and function are either unavailable or do not agree on the potential impact of this missense change (SIFT: "Tolerated"; PolyPhen-2: "Possibly Damaging"; Align-GVGD: "Class C0"). ClinVar contains an entry for this variant (Variation ID: 518655). This variant has not been reported in the literature in individuals affected with AKAP9-related conditions. This variant is present in population databases (rs748637545, gnomAD 0.003%). This sequence change replaces aspartic acid, which is acidic and polar, with valine, which is neutral and non-polar, at codon 486 of the AKAP9 protein (p.Asp486Val).

NM_005751.5(AKAP9):c.1457A>T (p.Asp486Val)

Gene: AKAP9 (A-kinase anchoring protein 9; plus strand). Cytogenetic location: 7q21.2.
Variant type: single nucleotide variant.
Coding change: c.1457A>T on transcript NM_005751.5 (MANE Select); coding-DNA position 1457, A replaced by T.
Protein change: p.Asp486Val; replaces aspartic acid 486 with valine.
Molecular consequence: missense variant.
Genome position (GRCh38, 1-based): chr7:92,001,374, A>T. VCF-style: chr7-92001374-A-T. GRCh37 (hg19) VCF-style: chr7-91630688-A-T.
Other names: c.1457A>T, p.Asp486Val (NM_147185.3); short protein forms D486V.
Identifiers: ClinVar variation 518655 (VCV000518655.9), dbSNP rs748637545, ClinGen allele CA4336016.